The following is an entry in ClinVar:

NM_001253697.2(ERBIN):c.2915A>G (p.Tyr972Cys)

Gene: ERBIN (erbb2 interacting protein; plus strand). Cytogenetic location: 5q12.3.
Variant type: single nucleotide variant.
Coding change: c.2915A>G on transcript NM_001253697.2 (MANE Select); coding-DNA position 2915, A replaced by G.
Protein change: p.Tyr972Cys; replaces tyrosine 972 with cysteine.
Molecular consequence: missense variant.
Genome position (GRCh38, 1-based): chr5:66,054,233, A>G. VCF-style: chr5-66054233-A-G. GRCh37 (hg19) VCF-style: chr5-65350061-A-G.
Other names: c.2915A>G, p.Tyr972Cys (NM_001006600.3, NM_001253698.2, NM_001253699.2 and 1 more transcripts); c.2903A>G, p.Tyr968Cys (NM_001253701.2); c.2915A>G (NM_001006600.2); short protein forms Y968C, Y972C.
Identifiers: ClinVar variation 1042830 (VCV001042830.9), dbSNP rs200286319, ClinGen allele CA3286562.

ClinVar aggregate classification (germline): Uncertain significance. Review status: criteria provided, single submitter (1 of 4 stars). 2 submissions from 2 submitters: Uncertain significance (1). 1 of the submissions does not count toward it. Last evaluated 2025-10-23.

Conditions:
ERBIN-related disorder. Also called: ERBIN-related condition.

Allele frequency attached by ClinVar (database versions not stated): gnomAD exomes 0.00012 and 0.00032; ExAC 0.00013; gnomAD 0.00016; TOPMed 0.00016; ESP Exome Variant Server 0.00023.
gnomAD v4.1: 479 of 1,614,060 alleles (0.03%); highest among the groups gnomAD compares: Non-Finnish European, 0.04%; 2 homozygotes.

Submissions (2):

Labcorp Genetics (formerly Invitae), Labcorp
Classification: Uncertain significance. Last evaluated: 2025-10-23. Review status: criteria provided, single submitter. Criteria: Invitae Variant Classification Sherloc (09022015). Collection method: clinical testing. Allele origin: germline.
Comment: This sequence change replaces tyrosine, which is neutral and polar, with cysteine, which is neutral and slightly polar, at codon 972 of the ERBIN protein (p.Tyr972Cys). This variant is present in population databases (rs200286319, gnomAD 0.03%). This variant has not been reported in the literature in individuals affected with ERBIN-related conditions. ClinVar contains an entry for this variant (Variation ID: 1042830). An algorithm developed to predict the effect of missense changes on protein structure and function (PolyPhen-2) suggests that this variant is likely to be tolerated. In summary, the available evidence is currently insufficient to determine the role of this variant in disease. Therefore, it has been classified as a Variant of Uncertain Significance.

PreventionGenetics, part of Exact Sciences
Classification: Uncertain significance for ERBIN-related condition. Last evaluated: 2024-06-04. Review status: no assertion criteria provided. Collection method: clinical testing. Allele origin: germline. Not counted in ClinVar's aggregate classification.
Comment: The ERBIN c.2915A>G variant is predicted to result in the amino acid substitution p.Tyr972Cys. To our knowledge, this variant has not been reported in the literature. This variant is reported in 0.027% of alleles in individuals of European (Non-Finnish) descent in gnomAD. At this time, the clinical significance of this variant is uncertain due to the absence of conclusive functional and genetic evidence.